The following is an entry in ClinVar:

ClinVar aggregate classification (germline): Pathogenic/Likely pathogenic. Review status: criteria provided, multiple submitters, no conflicts (2 of 4 stars). 6 submissions from 6 submitters: Pathogenic (1); Likely pathogenic (1). 4 of the submissions do not count toward it. Last evaluated 2022-11-14.

Conditions:
Hypertrophic cardiomyopathy 1 (CMH1). Also called: Familial hypertrophic cardiomyopathy 1; MYH7-Related Familial Hypertrophic Cardiomyopathy. Identifiers: MedGen C3495498, MONDO:0008647, OMIM 192600.
Hypertrophic cardiomyopathy. Also called: HYPERTROPHIC MYOCARDIOPATHY. Identifiers: Orphanet 217569, MedGen C0007194, MeSH D002312, MONDO:0005045, HP:0001639.

Submissions (6):

Labcorp Genetics (formerly Invitae), Labcorp
Classification: Pathogenic for Hypertrophic cardiomyopathy. Last evaluated: 2022-11-14. Review status: criteria provided, single submitter. Criteria: Invitae Variant Classification Sherloc (09022015). Collection method: clinical testing. Allele origin: germline.
Comment: This sequence change replaces isoleucine, which is neutral and non-polar, with threonine, which is neutral and polar, at codon 511 of the MYH7 protein (p.Ile511Thr). This variant is not present in population databases (gnomAD no frequency). This missense change has been observed in individuals with hypertrophic cardiomyopathy (PMID: 15358028, 24093860, 27247418, 32894683). ClinVar contains an entry for this variant (Variation ID: 42848). Advanced modeling of protein sequence and biophysical properties (such as structural, functional, and spatial information, amino acid conservation, physicochemical variation, residue mobility, and thermodynamic stability) performed at Invitae indicates that this missense variant is expected to disrupt MYH7 protein function. This variant disrupts the p.Ile511 amino acid residue in MYH7. Other variant(s) that disrupt this residue have been observed in individuals with MYH7-related conditions (PMID: 15563892), which suggests that this may be a clinically significant amino acid residue. For these reasons, this variant has been classified as Pathogenic.

Laboratory of Genetics and Molecular Cardiology, University of São Paulo
Classification: Likely pathogenic for Hypertrophic cardiomyopathy 1. Review status: criteria provided, single submitter. Criteria: LGCM Criteria August 2015. Collection method: clinical testing. Allele origin: germline. Inheritance: Autosomal dominant inheritance. Affected: yes. Observed: 1 variant allele. Study: Sarcomeric Human Cardiomyopathy Registry (ShaRe).

Clinical Genetics DNA and cytogenetics Diagnostics Lab, Erasmus MC, Erasmus Medical Center
Classification: Likely pathogenic. Review status: no assertion criteria provided. Collection method: clinical testing. Allele origin: germline. Affected: yes. Study: VKGL Data-share Consensus. Not counted in ClinVar's aggregate classification.

Clinical Genetics, Academic Medical Center
Classification: Likely pathogenic. Review status: no assertion criteria provided. Collection method: clinical testing. Allele origin: germline. Affected: yes. Study: VKGL Data-share Consensus. Not counted in ClinVar's aggregate classification.

Joint Genome Diagnostic Labs from Nijmegen and Maastricht, Radboudumc and MUMC+
Classification: Likely pathogenic. Review status: no assertion criteria provided. Collection method: clinical testing. Allele origin: germline. Affected: yes. Study: VKGL Data-share Consensus. Not counted in ClinVar's aggregate classification.

Laboratory for Molecular Medicine, Mass General Brigham Personalized Medicine
Classification: Uncertain significance. Last evaluated: 2016-02-03. Review status: flagged submission. Criteria: LMM Criteria. Collection method: clinical testing. Allele origin: germline. Observed: 2 variant alleles. Not counted in ClinVar's aggregate classification.
Comment: Variant classified as Uncertain Significance - Favor Pathogenic. This variant was predicted to be pathogenic using a computational tool clinically validated by our laboratory. This tool's pathogenic prediction is estimated to be correct 94% of the time (J ordan 2011). In summary, while there is some suspicion for a pathogenic role, th e clinical significance of the p.Ile511Thr variant is uncertain.
ClinVar note: Reason: Older and outlier claim with insufficient supporting evidence

Literature cited by the submitters: PubMed 15358028 (cited by 3 submitters); PubMed 24093860 (cited by Labcorp Genetics (formerly Invitae), Labcorp); PubMed 27247418 (cited by Labcorp Genetics (formerly Invitae), Labcorp); PubMed 32894683 (cited by Labcorp Genetics (formerly Invitae), Labcorp); PubMed 15563892 (cited by Labcorp Genetics (formerly Invitae), Labcorp).

NM_000257.4(MYH7):c.1532T>C (p.Ile511Thr)

Gene: MYH7 (myosin heavy chain 7; minus strand). Cytogenetic location: 14q11.2.
Variant type: single nucleotide variant.
Coding change: c.1532T>C on transcript NM_000257.4 (MANE Select); coding-DNA position 1532, T replaced by C.
Protein change: p.Ile511Thr; replaces isoleucine 511 with threonine.
Molecular consequence: missense variant.
Genome position (GRCh38, 1-based): chr14:23,428,546, A>G on the plus strand (T>C on the coding strand, the complement: MYH7 is on the minus strand). VCF-style: chr14-23428546-A-G. GRCh37 (hg19) VCF-style: chr14-23897755-A-G.
Other names: short protein forms I511T.
Identifiers: ClinVar variation 42848 (VCV000042848.18), dbSNP rs397516110, ClinGen allele CA010896.